The following is an entry in ClinVar:

ClinVar aggregate classification (germline): Likely benign. Review status: criteria provided, multiple submitters, no conflicts (2 of 4 stars). 3 submissions from 3 submitters: Likely benign (3). Last evaluated 2023-07-10.

Conditions:
Pyogenic arthritis-pyoderma gangrenosum-acne syndrome (PAPA). Also called: FAMILIAL RECURRENT ARTHRITIS; PAPA SYNDROME. Identifiers: Orphanet 69126, MedGen C1858361, MONDO:0011462, OMIM 604416.

Allele frequency attached by ClinVar (database versions not stated): gnomAD exomes below 0.00001.
gnomAD v4.1: 6 of 1,580,180 alleles (0.00038%); highest among the groups gnomAD compares: African/African-American, 0.0054%; no homozygotes.

Submissions (3):

Labcorp Genetics (formerly Invitae), Labcorp
Classification: Likely benign for Pyogenic arthritis-pyoderma gangrenosum-acne syndrome. Last evaluated: 2023-07-10. Review status: criteria provided, single submitter. Criteria: Invitae Variant Classification Sherloc (09022015). Collection method: clinical testing. Allele origin: germline.

CeGaT Center for Human Genetics Tuebingen
Classification: Likely benign. Last evaluated: 2022-11-01. Review status: criteria provided, single submitter. Criteria: CeGaT Center For Human Genetics Tuebingen Variant Classification Criteria Version 2. Collection method: clinical testing. Allele origin: germline. Affected: yes. Observed: 1 variant allele.
Comment: PSTPIP1: PM2:Supporting, BP4, BP7

GeneDx
Classification: Likely benign. Last evaluated: 2015-12-02. Review status: criteria provided, single submitter. Criteria: GeneDx Variant Classification (06012015). Collection method: clinical testing. Allele origin: germline. Affected: yes.
Comment: This variant is considered likely benign or benign based on one or more of the following criteria: it is a conservative change, it occurs at a poorly conserved position in the protein, it is predicted to be benign by multiple in silico algorithms, and/or has population frequency not consistent with disease.

NM_003978.5(PSTPIP1):c.558G>A (p.Glu186=)

Gene: PSTPIP1 (proline-serine-threonine phosphatase interacting protein 1; plus strand). Cytogenetic location: 15q24.3.
Variant type: single nucleotide variant.
Coding change: c.558G>A on transcript NM_003978.5 (MANE Select); coding-DNA position 558, G replaced by A.
Protein change: p.Glu186=; no amino-acid change (glutamic acid 186 retained).
Molecular consequence: synonymous variant. On other transcripts: non-coding transcript variant (1).
Genome position (GRCh38, 1-based): chr15:77,029,570, G>A. VCF-style: chr15-77029570-G-A. GRCh37 (hg19) VCF-style: chr15-77321911-G-A.
Other names: c.558G>A, p.Glu186= (NM_001321135.2); c.531G>A, p.Glu177= (NM_001321136.2); c.753G>A, p.Glu251= (NM_001321137.1).
Identifiers: ClinVar variation 246145 (VCV000246145.28), dbSNP rs879254120, ClinGen allele CA10584496.